The following is an entry in ClinVar:

ClinVar aggregate classification (germline): Pathogenic (1 of 4 stars; one submission).

Submission:

Labcorp Genetics (formerly Invitae), Labcorp
Classification: Pathogenic. Last evaluated: 2020-11-19. Review status: criteria provided, single submitter. Criteria: Invitae Variant Classification Sherloc (09022015). Collection method: clinical testing. Allele origin: germline.
Comment: This sequence change creates a premature translational stop signal (p.Gln1376*) in the MYO5B gene. It is expected to result in an absent or disrupted protein product. For these reasons, this variant has been classified as Pathogenic. Loss-of-function variants in MYO5B are known to be pathogenic (PMID: 18724368, 20186687). This variant has not been reported in the literature in individuals with MYO5B-related conditions. This variant is not present in population databases (ExAC no frequency).

Literature cited by the submitters: PubMed 18724368; PubMed 20186687.

NM_001080467.3(MYO5B):c.4126C>T (p.Gln1376Ter)

Gene: MYO5B (myosin VB; minus strand). Cytogenetic location: 18q21.1.
Variant type: single nucleotide variant.
Coding change: c.4126C>T on transcript NM_001080467.3 (MANE Select); coding-DNA position 4126, C replaced by T.
Protein change: p.Gln1376Ter; replaces glutamine 1376 with a stop codon.
Molecular consequence: nonsense.
Genome position (GRCh38, 1-based): chr18:49,853,544, G>A on the plus strand (C>T on the coding strand, the complement: MYO5B is on the minus strand). VCF-style: chr18-49853544-G-A. GRCh37 (hg19) VCF-style: chr18-47379914-G-A.
Other names: short protein forms Q1376*.
Identifiers: ClinVar variation 1073731 (VCV001073731.7), dbSNP rs990825035, ClinGen allele CA402426714.
Genomic context (GRCh38, chr18:49,853,544, plus strand): 5'-GAACGCCGAATTCCACCTGGGCCTCTGGGGAGAGCAGTAGCGTCTGGCAGAAGGTCTGCT[G>A]CTGTTTGTCCATCTCCTCCTTCAGGGCCTCGAGCTGAGCCTTGAGATGCTCCACCTCCTC-3'